The following is an entry in ClinVar:

ClinVar aggregate classification (germline): Uncertain significance. Review status: criteria provided, multiple submitters, no conflicts (2 of 4 stars). 2 submissions from 2 submitters: Uncertain significance (2). Last evaluated 2025-11-25.

Submissions (2):

Ambry Genetics
Classification: Uncertain significance. Last evaluated: 2025-11-25. Review status: criteria provided, single submitter. Criteria: Ambry Variant Classification Scheme 2023. Collection method: clinical testing. Allele origin: germline.
Comment: The p.A41T variant (also known as c.121G>A), located in coding exon 2 of the FAM175A gene, results from a G to A substitution at nucleotide position 121. The alanine at codon 41 is replaced by threonine, an amino acid with similar properties. This amino acid position is conserved. In addition, this alteration is predicted to be tolerated by in silico analysis. Based on the available evidence, the clinical significance of this variant remains unclear.

Labcorp Genetics (formerly Invitae), Labcorp
Classification: Uncertain significance. Last evaluated: 2017-10-19. Review status: criteria provided, single submitter. Criteria: Invitae Variant Classification Sherloc (09022015). Collection method: clinical testing. Allele origin: germline.
Comment: This sequence change replaces alanine with threonine at codon 41 of the FAM175A protein (p.Ala41Thr). The alanine residue is highly conserved and there is a small physicochemical difference between alanine and threonine. This variant is not present in population databases (ExAC no frequency). This variant has not been reported in the literature in individuals with FAM175A-related disease. Algorithms developed to predict the effect of missense changes on protein structure and function do not agree on the potential impact of this missense change (SIFT: "Tolerated"; PolyPhen-2: "Probably Damaging"; Align-GVGD: "Class C0"). In summary, the available evidence is currently insufficient to determine the role of this variant in disease. Therefore, it has been classified as a Variant of Uncertain Significance.

NM_139076.3(ABRAXAS1):c.121G>A (p.Ala41Thr)

Gene: ABRAXAS1 (abraxas 1, BRCA1 A complex subunit; minus strand). Cytogenetic location: 4q21.23.
Variant type: single nucleotide variant.
Coding change: c.121G>A on transcript NM_139076.3 (MANE Select); coding-DNA position 121, G replaced by A.
Protein change: p.Ala41Thr; replaces alanine 41 with threonine.
Molecular consequence: missense variant. On other transcripts: 5 prime UTR variant (1).
Genome position (GRCh38, 1-based): chr4:83,482,211, C>T on the plus strand (G>A on the coding strand, the complement: ABRAXAS1 is on the minus strand). VCF-style: chr4-83482211-C-T. GRCh37 (hg19) VCF-style: chr4-84403364-C-T.
Other names: c.121G>A (NM_139076.2); c.-140G>A (NM_001345962.2); short protein forms A41T.
Identifiers: ClinVar variation 1003564 (VCV001003564.9), dbSNP rs1723021568, ClinGen allele CA357263302.